The following is an entry in ClinVar:

ClinVar aggregate classification (germline): Uncertain significance (1 of 4 stars; one submission).

Conditions:
Developmental and epileptic encephalopathy, 2 (DEE2). Also called: CDKL5 deficiency disorder; INFANTILE SPASM SYNDROME, X-LINKED 2. Identifiers: Orphanet 1934, Orphanet 3451, Orphanet 505652, MedGen C4750718, MONDO:0010396, OMIM 300672.
Angelman syndrome-like. Identifiers: MedGen CN128785.

Allele frequency attached by ClinVar (database versions not stated): gnomAD 0.00001; ExAC 0.00001.

Submission:

Labcorp Genetics (formerly Invitae), Labcorp
Classification: Uncertain significance for Developmental and epileptic encephalopathy, 2; Angelman syndrome-like. Last evaluated: 2022-12-25. Review status: criteria provided, single submitter. Criteria: Invitae Variant Classification Sherloc (09022015). Collection method: clinical testing. Allele origin: germline.
Comment: In summary, the available evidence is currently insufficient to determine the role of this variant in disease. Therefore, it has been classified as a Variant of Uncertain Significance. Algorithms developed to predict the effect of sequence changes on RNA splicing suggest that this variant may disrupt the consensus splice site. Advanced modeling of protein sequence and biophysical properties (such as structural, functional, and spatial information, amino acid conservation, physicochemical variation, residue mobility, and thermodynamic stability) performed at Invitae indicates that this missense variant is not expected to disrupt CDKL5 protein function. ClinVar contains an entry for this variant (Variation ID: 1716259). This variant has not been reported in the literature in individuals affected with CDKL5-related conditions. This variant is present in population databases (rs769931918, gnomAD 0.008%). This sequence change replaces glycine, which is neutral and non-polar, with arginine, which is basic and polar, at codon 907 of the CDKL5 protein (p.Gly907Arg).

NC_000023.11:g.18646012G>A

Genes: CDKL5 (cyclin dependent kinase like 5; plus strand), RS1 (retinoschisin 1; minus strand). Cytogenetic location: Xp22.13.
Variant type: single nucleotide variant.
Molecular consequence: intron variant (on NM_000330.4). On other transcripts: missense variant (2).
Genome position: GRCh38 VCF-style: chrX-18646012-G-A. GRCh37 (hg19) VCF-style: chrX-18664132-G-A.
Other names: c.2719G>A, p.Gly907Arg (NM_001037343.2, NM_003159.3); c.326+1179C>T (NM_000330.4); short protein forms G907R.
Identifiers: ClinVar variation 1716259 (VCV001716259.6), dbSNP rs769931918, ClinGen allele CA10360665.
Genomic context (GRCh38, chrX:18,646,012, plus strand): 5'-CTTAAAGGCAAGTCATGCGCACTCTGCTGCTCTTTTGTTTCTCCCCACTAACTAGACGGT[G>A]GATGTGATGGCAGAAGACAGAGACACCATTCTGGACCCCAAGATAGACGCTTCATGTTAA-3'